The following is an entry in ClinVar:

ClinVar aggregate classification (germline): Uncertain significance (1 of 4 stars; one submission).

Submission:

Labcorp Genetics (formerly Invitae), Labcorp
Classification: Uncertain significance. Last evaluated: 2022-09-06. Review status: criteria provided, single submitter. Criteria: Invitae Variant Classification Sherloc (09022015). Collection method: clinical testing. Allele origin: germline.
Comment: In summary, the available evidence is currently insufficient to determine the role of this variant in disease. Therefore, it has been classified as a Variant of Uncertain Significance. Algorithms developed to predict the effect of missense changes on protein structure and function (SIFT, PolyPhen-2, Align-GVGD) all suggest that this variant is likely to be tolerated. ClinVar contains an entry for this variant (Variation ID: 939427). This variant has not been reported in the literature in individuals affected with NEUROD1-related conditions. This variant is not present in population databases (gnomAD no frequency). This sequence change replaces alanine, which is neutral and non-polar, with proline, which is neutral and non-polar, at codon 323 of the NEUROD1 protein (p.Ala323Pro).

NM_002500.5(NEUROD1):c.967G>C (p.Ala323Pro)

Gene: NEUROD1 (neuronal differentiation 1; minus strand). Cytogenetic location: 2q31.3.
Variant type: single nucleotide variant.
Coding change: c.967G>C on transcript NM_002500.5 (MANE Select); coding-DNA position 967, G replaced by C.
Protein change: p.Ala323Pro; replaces alanine 323 with proline.
Molecular consequence: missense variant.
Genome position (GRCh38, 1-based): chr2:181,677,894, C>G on the plus strand (G>C on the coding strand, the complement: NEUROD1 is on the minus strand). VCF-style: chr2-181677894-C-G. GRCh37 (hg19) VCF-style: chr2-182542621-C-G.
Other names: short protein forms A323P.
Identifiers: ClinVar variation 939427 (VCV000939427.9), dbSNP rs1688611235, ClinGen allele CA349782390.